The following is an entry in ClinVar:

NM_014846.4(WASHC5):c.2495C>T (p.Thr832Ile)

Gene: WASHC5 (WASH complex subunit 5; minus strand). Cytogenetic location: 8q24.13.
Variant type: single nucleotide variant.
Coding change: c.2495C>T on transcript NM_014846.4 (MANE Select); coding-DNA position 2495, C replaced by T.
Protein change: p.Thr832Ile; replaces threonine 832 with isoleucine.
Molecular consequence: missense variant.
Genome position (GRCh38, 1-based): chr8:125,047,216, G>A on the plus strand (C>T on the coding strand, the complement: WASHC5 is on the minus strand). VCF-style: chr8-125047216-G-A. GRCh37 (hg19) VCF-style: chr8-126059458-G-A.
Other names: c.2051C>T, p.Thr684Ile (NM_001330609.2); short protein forms T684I, T832I.
Identifiers: ClinVar variation 3367747 (VCV003367747.1).
Genomic context (GRCh38, chr8:125,047,216, plus strand): 5'-GATGAGACTGCCTGCAGTATTCAGGGCTCTGTAGAATTCAGGTACACCTACTTTGGGTCT[G>A]TGATCCGCAGGATTTCTCTGCAGAGTCGACCAATAAACGTTACAGACTCATCCACAGGGG-3'
Protein context (NP_055661.3, residues 822-842): GRLCREILRI[Thr832Ile]DPKMTCHIDQ

ClinVar aggregate classification (germline): Uncertain significance (1 of 4 stars; one submission).

Submission:

GeneDx
Classification: Uncertain significance. Last evaluated: 2024-01-12. Review status: criteria provided, single submitter. Criteria: GeneDx Variant Classification Process June 2021. Collection method: clinical testing. Allele origin: germline. Affected: yes.
Comment: Not observed at significant frequency in large population cohorts (gnomAD); In silico analysis supports that this missense variant has a deleterious effect on protein structure/function; Has not been previously published as pathogenic or benign to our knowledge